The following is an entry in ClinVar:

ClinVar aggregate classification (germline): Benign (0 of 4 stars; one submission).

Conditions:
TOP3B-related disorder. Also called: TOP3B-related condition.

Allele frequency attached by ClinVar (database versions not stated): 1000 Genomes Project 30x 0.08245; 1000 Genomes Project 0.08387; ExAC 0.09917; TOPMed 0.10205; gnomAD 0.10497; ESP Exome Variant Server 0.10680; gnomAD exomes 0.11131.
gnomAD v4.1: 178,399 of 1,613,540 alleles (11%); highest among the groups gnomAD compares: Non-Finnish European, 12%; 10,419 homozygotes.

Submission:

PreventionGenetics, part of Exact Sciences
Classification: Benign for TOP3B-related condition. Last evaluated: 2019-10-22. Review status: no assertion criteria provided. Collection method: clinical testing. Allele origin: germline.
Comment: This variant is classified as benign based on ACMG/AMP sequence variant interpretation guidelines (Richards et al. 2015 PMID: 25741868, with internal and published modifications).

NM_001282112.2(TOP3B):c.960C>T (p.His320=)

Gene: TOP3B (DNA topoisomerase III beta; minus strand). Cytogenetic location: 22q11.22.
Variant type: single nucleotide variant.
Coding change: c.960C>T on transcript NM_001282112.2 (MANE Select); coding-DNA position 960, C replaced by T.
Protein change: p.His320=; no amino-acid change (histidine 320 retained).
Molecular consequence: synonymous variant. On other transcripts: non-coding transcript variant (1).
Genome position (GRCh38, 1-based): chr22:21,964,299, G>A on the plus strand (C>T on the coding strand, the complement: TOP3B is on the minus strand). VCF-style: chr22-21964299-G-A. GRCh37 (hg19) VCF-style: chr22-22318671-G-A.
Other names: c.960C>T, p.His320= (NM_001282113.2, NM_001349845.2, NM_001349847.2 and 1 more transcripts); c.552C>T, p.His184= (NM_001349848.2, NM_001349850.2, NM_001349851.2 and 1 more transcripts).
Identifiers: ClinVar variation 3055564 (VCV003055564.2), dbSNP rs9610729, ClinGen allele CA10125786.